The following is an entry in ClinVar:

ClinVar aggregate classification (germline): Pathogenic (1 of 4 stars; one submission).

Conditions:
Diastrophic dysplasia (DTD). Also called: Diastrophic dwarfism. Identifiers: Orphanet 628, MedGen C0220726, MONDO:0009107, OMIM 222600.
Atelosteogenesis type II (AO2). Also called: NEONATAL OSSEOUS DYSPLASIA I; Neonatal osseous dysplasia 1; SLC26A2-Related Atelosteogenesis. Identifiers: Orphanet 56304, MedGen C1850554, MONDO:0009727, OMIM 256050.
Multiple epiphyseal dysplasia type 4 (EDM4). Also called: Multiple Epiphyseal Dysplasia, Recessive; MULTIPLE EPIPHYSEAL DYSPLASIA WITH BILAYERED PATELLAE; MULTIPLE EPIPHYSEAL DYSPLASIA WITH CLUBFOOT; MULTIPLE EPIPHYSEAL DYSPLASIA, AUTOSOMAL RECESSIVE; SLC26A2-Related Multiple Epiphyseal Dysplasia. Identifiers: Orphanet 93307, MedGen C1847593, MONDO:0009189, OMIM 226900.
Achondrogenesis, type IB (ACG1B). Also called: Achondrogenesis Type 1B. Identifiers: Orphanet 932, Orphanet 93298, MedGen C0265274, MONDO:0010966, OMIM 600972.

Submission:

Labcorp Genetics (formerly Invitae), Labcorp
Classification: Pathogenic for Atelosteogenesis type II; Multiple epiphyseal dysplasia type 4; Achondrogenesis, type IB; Diastrophic dysplasia. Last evaluated: 2021-11-03. Review status: criteria provided, single submitter. Criteria: Invitae Variant Classification Sherloc (09022015). Collection method: clinical testing. Allele origin: germline.
Comment: For these reasons, this variant has been classified as Pathogenic. This variant disrupts a region of the SLC26A2 protein in which other variant(s) (p.Ala715Val) have been determined to be pathogenic (PMID: 8571951, 21077204, 21922596; Invitae). This suggests that this is a clinically significant region of the protein, and that variants that disrupt it are likely to be disease-causing. This variant has not been reported in the literature in individuals affected with SLC26A2-related conditions. This variant is not present in population databases (gnomAD no frequency). This sequence change creates a premature translational stop signal (p.Asp385Glufs*3) in the SLC26A2 gene. While this is not anticipated to result in nonsense mediated decay, it is expected to disrupt the last 355 amino acid(s) of the SLC26A2 protein.

Literature cited by the submitters: PubMed 8571951; PubMed 21077204; PubMed 21922596.

NM_000112.4(SLC26A2):c.1155del (p.Asp385fs)

Gene: SLC26A2 (solute carrier family 26 member 2; plus strand). Cytogenetic location: 5q32.
Variant type: Deletion.
Coding change: c.1155del on transcript NM_000112.4 (MANE Select); coding-DNA position 1155, one base deleted (T; older notation c.1155delT).
Protein change: p.Asp385fs; shifts the reading frame from aspartic acid 385.
Molecular consequence: frameshift variant.
Genome position (GRCh38, 1-based): chr5:149,980,748, T deleted. VCF-style (leftmost placement, unchanged base first): chr5-149980747-AT-A. GRCh37 (hg19) VCF-style: chr5-149360310-AT-A.
Other names: short protein forms D385fs.
Identifiers: ClinVar variation 1436633 (VCV001436633.6), dbSNP rs2113698329, ClinGen allele CA2573139276.
Genomic context (GRCh38, chr5:149,980,747, plus strand): 5'-CCACTGGGTTTATGCCACCCAAAGTACCAGAATGGAACCTAATTCCTAGTGTGGCTGTAG[AT>A]GCAATAGCTATTTCCATCATTGGTTTTGCTATCACTGTATCACTTTCTGAGATGTTTGCC-3'